The following is an entry in ClinVar:

ClinVar aggregate classification (germline): Uncertain significance (1 of 4 stars; one submission).

Allele frequency attached by ClinVar (database versions not stated): gnomAD exomes below 0.00001.
gnomAD v4.1: 1 of 1,613,356 alleles (0.000062%); no homozygotes.

Submission:

CeGaT Center for Human Genetics Tuebingen
Classification: Uncertain significance. Last evaluated: 2022-08-01. Review status: criteria provided, single submitter. Criteria: CeGaT Center For Human Genetics Tuebingen Variant Classification Criteria Version 2. Collection method: clinical testing. Allele origin: germline. Affected: yes. Observed: 1 variant allele.
Comment: DYNC1H1: PM2, PP2, BP4

NM_001376.5(DYNC1H1):c.5989A>G (p.Ile1997Val)

Gene: DYNC1H1 (dynein cytoplasmic 1 heavy chain 1; plus strand). Cytogenetic location: 14q32.31.
Variant type: single nucleotide variant.
Coding change: c.5989A>G on transcript NM_001376.5 (MANE Select); coding-DNA position 5989, A replaced by G.
Protein change: p.Ile1997Val; replaces isoleucine 1997 with valine.
Molecular consequence: missense variant.
Genome position (GRCh38, 1-based): chr14:102,009,854, A>G. VCF-style: chr14-102009854-A-G. GRCh37 (hg19) VCF-style: chr14-102476191-A-G.
Other names: short protein forms I1997V.
Identifiers: ClinVar variation 2644564 (VCV002644564.24), dbSNP rs2503750703, ClinGen allele CA391052436.
Genomic context (GRCh38, chr14:102,009,854, plus strand): 5'-TTTTTTTTTTTTAACATTTCTAGTCTTAACGCTATCATCTCATTCTCAGCCTCTGCCCCC[A>G]TTACTTGTGAGCTGCTGAACAAACAAGTCAAGGTGAGCCCGGACATGGCCATCTTCATCA-3'
Protein context (NP_001367.2, residues 1987-2007): NPNYDKTSAP[Ile1997Val]TCELLNKQVK